The following is an entry in ClinVar:

ClinVar aggregate classification (germline): Uncertain significance (1 of 4 stars; one submission).

Conditions:
Familial thoracic aortic aneurysm and aortic dissection (TAAD). Also called: Thoracic aortic aneurysms and dissections. Identifiers: Orphanet 91387, MedGen C4707243, MONDO:0019625.

Submission:

Ambry Genetics
Classification: Uncertain significance for Familial thoracic aortic aneurysm and aortic dissection. Last evaluated: 2025-12-16. Review status: criteria provided, single submitter. Criteria: Ambry Variant Classification Scheme 2023. Collection method: clinical testing. Allele origin: germline.
Comment: The p.K1031E variant (also known as c.3091A>G), located in coding exon 42 of the COL3A1 gene, results from an A to G substitution at nucleotide position 3091. The lysine at codon 1031 is replaced by glutamic acid, an amino acid with similar properties. This amino acid position is conserved. In addition, this alteration is predicted to be deleterious by in silico analysis. Based on the available evidence, the clinical significance of this variant remains unclear.

NM_000090.4(COL3A1):c.3091A>G (p.Lys1031Glu)

Gene: COL3A1 (collagen type III alpha 1 chain; plus strand). Cytogenetic location: 2q32.2.
Variant type: single nucleotide variant.
Coding change: c.3091A>G on transcript NM_000090.4 (MANE Select); coding-DNA position 3091, A replaced by G.
Protein change: p.Lys1031Glu; replaces lysine 1031 with glutamic acid.
Molecular consequence: missense variant.
Genome position (GRCh38, 1-based): chr2:189,006,257, A>G. VCF-style: chr2-189006257-A-G. GRCh37 (hg19) VCF-style: chr2-189870983-A-G.
Other names: short protein forms K1031E.
Identifiers: ClinVar variation 4843318 (VCV004843318.1).